The following is an entry in ClinVar:

NM_144670.6(A2ML1):c.854A>T (p.Gln285Leu)

Gene: A2ML1 (alpha-2-macroglobulin like 1; plus strand). Cytogenetic location: 12p13.31.
Variant type: single nucleotide variant.
Coding change: c.854A>T on transcript NM_144670.6 (MANE Select); coding-DNA position 854, A replaced by T.
Protein change: p.Gln285Leu; replaces glutamine 285 with leucine.
Molecular consequence: missense variant.
Genome position (GRCh38, 1-based): chr12:8,837,565, A>T. VCF-style: chr12-8837565-A-T. GRCh37 (hg19) VCF-style: chr12-8990161-A-T.
Other names: short protein forms Q285L.
Identifiers: ClinVar variation 3291946 (VCV003291946.1).

ClinVar aggregate classification (germline): Uncertain significance (1 of 4 stars; one submission).

Submission:

Ambry Genetics
Classification: Uncertain significance. Last evaluated: 2024-05-17. Review status: criteria provided, single submitter. Criteria: Ambry Variant Classification Scheme 2023. Collection method: clinical testing. Allele origin: germline.
Comment: The p.Q285L variant (also known as c.854A>T), located in coding exon 8 of the A2ML1 gene, results from an A to T substitution at nucleotide position 854. The glutamine at codon 285 is replaced by leucine, an amino acid with dissimilar properties. This amino acid position is conserved. In addition, this alteration is predicted to be tolerated by in silico analysis. Based on the available evidence, the clinical significance of this variant remains unclear.